The following is an entry in ClinVar:

NM_001139.3(ALOX12B):c.340C>T (p.Arg114Trp)

Gene: ALOX12B (arachidonate 12-lipoxygenase, 12R type; minus strand). Cytogenetic location: 17p13.1.
Variant type: single nucleotide variant.
Coding change: c.340C>T on transcript NM_001139.3 (MANE Select); coding-DNA position 340, C replaced by T.
Protein change: p.Arg114Trp; replaces arginine 114 with tryptophan.
Molecular consequence: missense variant.
Genome position (GRCh38, 1-based): chr17:8,086,028, G>A on the plus strand (C>T on the coding strand, the complement: ALOX12B is on the minus strand). VCF-style: chr17-8086028-G-A. GRCh37 (hg19) VCF-style: chr17-7989346-G-A.
Other names: c.340C>T, p.Arg114Trp (LRG_1264t1); short protein forms R114W.
Identifiers: ClinVar variation 39538 (VCV000039538.29), dbSNP rs397514526, ClinGen allele CA261161.

ClinVar aggregate classification (germline): Pathogenic. Review status: criteria provided, multiple submitters, no conflicts (2 of 4 stars). 5 submissions from 5 submitters: Pathogenic (3). 2 of the submissions do not count toward it. Last evaluated 2026-01-24.

Conditions:
Autosomal recessive congenital ichthyosis 2 (ARCI2). Identifiers: Orphanet 281122, Orphanet 79394, MedGen C3888093, MONDO:0009439, OMIM 242100.

Allele frequency attached by ClinVar (database versions not stated): gnomAD 0.00001; gnomAD exomes 0.00001 and 0.00002; TOPMed 0.00001; ExAC 0.00002.

Submissions (5):

Labcorp Genetics (formerly Invitae), Labcorp
Classification: Pathogenic. Last evaluated: 2026-01-24. Review status: criteria provided, single submitter. Criteria: Invitae Variant Classification Sherloc (09022015). Collection method: clinical testing. Allele origin: germline.
Comment: This sequence change replaces arginine, which is basic and polar, with tryptophan, which is neutral and slightly polar, at codon 114 of the ALOX12B protein (p.Arg114Trp). This variant is present in population databases (rs397514526, gnomAD 0.006%). This missense change has been observed in individual(s) with autosomal recessive congenital ichthyosis (PMID: 16116617, 31168818). It has also been observed to segregate with disease in related individuals. ClinVar contains an entry for this variant (Variation ID: 39538). Invitae Evidence Modeling of protein sequence and biophysical properties (such as structural, functional, and spatial information, amino acid conservation, physicochemical variation, residue mobility, and thermodynamic stability) has been performed for this missense variant. However, the output from this modeling did not meet the statistical confidence thresholds required to predict the impact of this variant on ALOX12B protein function. Experimental studies have shown that this missense change affects ALOX12B function (PMID: 16116617). For these reasons, this variant has been classified as Pathogenic.

Fulgent Genetics
Classification: Pathogenic for Autosomal recessive congenital ichthyosis 2. Last evaluated: 2024-06-10. Review status: criteria provided, single submitter. Criteria: ACMG Guidelines, 2015. Collection method: clinical testing. Allele origin: germline.

CeGaT Center for Human Genetics Tuebingen
Classification: Pathogenic. Last evaluated: 2024-03-01. Review status: criteria provided, single submitter. Criteria: CeGaT Center For Human Genetics Tuebingen Variant Classification Criteria Version 2. Collection method: clinical testing. Allele origin: germline. Affected: yes. Observed: 1 variant allele.
Comment: ALOX12B: PM3:Strong, PM2, PM5, PP4, PS3:Supporting

Institute for Human Genetics, University Medical Center Freiburg
Classification: Pathogenic for Autosomal recessive congenital ichthyosis 2. Last evaluated: 2021-01-07. Review status: no assertion criteria provided. Collection method: clinical testing. Allele origin: unknown. Affected: yes. Not counted in ClinVar's aggregate classification.

OMIM
Classification: Pathogenic for ICHTHYOSIS, CONGENITAL, AUTOSOMAL RECESSIVE 2. Last evaluated: 2005-10-01. Review status: no assertion criteria provided. Collection method: literature only. Allele origin: germline. Not counted in ClinVar's aggregate classification.

Literature cited by the submitters: PubMed 16116617 (cited by 3 submitters); PubMed 31168818 (cited by Labcorp Genetics (formerly Invitae), Labcorp).